The following is an entry in ClinVar:

ClinVar aggregate classification (germline): Conflicting classifications of pathogenicity. Review status: criteria provided, conflicting classifications (1 of 4 stars). 2 submissions from 2 submitters: Likely pathogenic (1); Uncertain significance (1). Last evaluated 2025-12-08.

Conditions:
Pyruvate kinase deficiency of red cells (CNSHA2). Also called: Pyruvate kinase deficiency, Amish type; PK DEFICIENCY; PYRUVATE KINASE DEFICIENCY OF ERYTHROCYTE. Identifiers: Orphanet 766, MedGen C0340968, MONDO:0009950, OMIM 266200.

Submissions (2):

Labcorp Genetics (formerly Invitae), Labcorp
Classification: Uncertain significance. Last evaluated: 2025-12-08. Review status: criteria provided, single submitter. Criteria: Invitae Variant Classification Sherloc (09022015). Collection method: clinical testing. Allele origin: germline.
Comment: This sequence change replaces valine, which is neutral and non-polar, with methionine, which is neutral and non-polar, at codon 473 of the PKLR protein (p.Val473Met). This variant is not present in population databases (gnomAD no frequency). This variant has not been reported in the literature in individuals affected with PKLR-related conditions. ClinVar contains an entry for this variant (Variation ID: 3068716). Invitae Evidence Modeling of protein sequence and biophysical properties (such as structural, functional, and spatial information, amino acid conservation, physicochemical variation, residue mobility, and thermodynamic stability) indicates that this missense variant is not expected to disrupt PKLR protein function with a negative predictive value of 80%. In summary, the available evidence is currently insufficient to determine the role of this variant in disease. Therefore, it has been classified as a Variant of Uncertain Significance.

Dr. Zeinali's Medical Genetics Lab, Kawsar Human Genetics Research Center
Classification: Likely pathogenic for Pyruvate kinase deficiency of red cells. Last evaluated: 2024-03-12. Review status: criteria provided, single submitter. Criteria: ACMG Guidelines, 2015. Collection method: clinical testing. Allele origin: inherited. Affected: yes. Observed: 3 variant alleles. Clinical features observed: Jaundice (HP:0000952), Pallor (HP:0000980), Reticulocytosis (HP:0001923), Prolonged neonatal jaundice (HP:0006579), Anemia (HP:0001903), Congenital onset (HP:0003577), Increased circulating ferritin concentration (HP:0003281), Familial hemolytic anemia (HP:0004804), Decreased hemoglobin concentration (HP:0020062), Autosomal recessive inheritance (HP:0000007), Splenomegaly (HP:0001744), Childhood onset (HP:0011463), and 1 more.

NM_000298.6(PKLR):c.1417G>A (p.Val473Met)

Gene: PKLR (pyruvate kinase L/R; minus strand). Cytogenetic location: 1q22.
Variant type: single nucleotide variant.
Coding change: c.1417G>A on transcript NM_000298.6 (MANE Select); coding-DNA position 1417, G replaced by A.
Protein change: p.Val473Met; replaces valine 473 with methionine.
Molecular consequence: missense variant.
Genome position (GRCh38, 1-based): chr1:155,293,196, C>T on the plus strand (G>A on the coding strand, the complement: PKLR is on the minus strand). VCF-style: chr1-155293196-C-T. GRCh37 (hg19) VCF-style: chr1-155262987-C-T.
Other names: c.1324G>A, p.Val442Met (NM_181871.4); short protein forms V442M, V473M.
Identifiers: ClinVar variation 3068716 (VCV003068716.3).